The following is an entry in ClinVar:

NM_001793.6(CDH3):c.1373C>G (p.Pro458Arg)

Gene: CDH3 (cadherin 3; plus strand). Cytogenetic location: 16q22.1.
Variant type: single nucleotide variant.
Coding change: c.1373C>G on transcript NM_001793.6 (MANE Select); coding-DNA position 1373, C replaced by G.
Protein change: p.Pro458Arg; replaces proline 458 with arginine.
Molecular consequence: missense variant.
Genome position (GRCh38, 1-based): chr16:68,684,773, C>G. VCF-style: chr16-68684773-C-G. GRCh37 (hg19) VCF-style: chr16-68718676-C-G.
Other names: c.1373C>G, p.Pro458Arg (NM_001317195.3); c.1208C>G, p.Pro403Arg (NM_001317196.2); c.1373C>G (NM_001793.4); short protein forms P403R, P458R.
Identifiers: ClinVar variation 858599 (VCV000858599.10), dbSNP rs200493479, ClinGen allele CA8129340.

ClinVar aggregate classification (germline): Uncertain significance. Review status: criteria provided, multiple submitters, no conflicts (2 of 4 stars). 2 submissions from 2 submitters: Uncertain significance (2). Last evaluated 2024-09-25.

Conditions:
Inborn genetic diseases. Identifiers: MedGen C0950123, MeSH D030342.

Allele frequency attached by ClinVar (database versions not stated): TOPMed 0.00002; gnomAD 0.00003 and 0.00004; gnomAD exomes 0.00008; ExAC 0.00012.
gnomAD v4.1: 237 of 1,614,070 alleles (0.015%); highest among the groups gnomAD compares: Non-Finnish European, 0.019%; no homozygotes.

Submissions (2):

Ambry Genetics
Classification: Uncertain significance for Inborn genetic diseases. Last evaluated: 2024-09-25. Review status: criteria provided, single submitter. Criteria: Ambry Variant Classification Scheme 2023. Collection method: clinical testing. Allele origin: germline.

Labcorp Genetics (formerly Invitae), Labcorp
Classification: Uncertain significance. Last evaluated: 2022-03-19. Review status: criteria provided, single submitter. Criteria: Invitae Variant Classification Sherloc (09022015). Collection method: clinical testing. Allele origin: germline.
Comment: In summary, the available evidence is currently insufficient to determine the role of this variant in disease. Therefore, it has been classified as a Variant of Uncertain Significance. This sequence change replaces proline, which is neutral and non-polar, with arginine, which is basic and polar, at codon 458 of the CDH3 protein (p.Pro458Arg). This variant is present in population databases (rs200493479, gnomAD 0.01%). This variant has not been reported in the literature in individuals affected with CDH3-related conditions. ClinVar contains an entry for this variant (Variation ID: 858599). Algorithms developed to predict the effect of missense changes on protein structure and function output the following: SIFT: "Not Available"; PolyPhen-2: "Benign"; Align-GVGD: "Not Available". The arginine amino acid residue is found in multiple mammalian species, which suggests that this missense change does not adversely affect protein function.